The following is an entry in ClinVar:

ClinVar aggregate classification (germline): Uncertain significance. Review status: criteria provided, multiple submitters, no conflicts (2 of 4 stars). 2 submissions from 2 submitters: Uncertain significance (2). Last evaluated 2025-09-05.

Allele frequency attached by ClinVar (database versions not stated): TOPMed below 0.00001.
gnomAD v4.1: 1 of 1,592,568 alleles (0.000063%); no homozygotes.

Submissions (2):

Labcorp Genetics (formerly Invitae), Labcorp
Classification: Uncertain significance. Last evaluated: 2025-09-05. Review status: criteria provided, single submitter. Criteria: Invitae Variant Classification Sherloc (09022015). Collection method: clinical testing. Allele origin: germline.
Comment: This sequence change replaces leucine, which is neutral and non-polar, with valine, which is neutral and non-polar, at codon 1287 of the MYO7A protein (p.Leu1287Val). This variant is not present in population databases (gnomAD no frequency). This variant has not been reported in the literature in individuals affected with MYO7A-related conditions. ClinVar contains an entry for this variant (Variation ID: 1940511). Invitae Evidence Modeling of protein sequence and biophysical properties (such as structural, functional, and spatial information, amino acid conservation, physicochemical variation, residue mobility, and thermodynamic stability) indicates that this missense variant is not expected to disrupt MYO7A protein function with a negative predictive value of 95%. In summary, the available evidence is currently insufficient to determine the role of this variant in disease. Therefore, it has been classified as a Variant of Uncertain Significance.

GeneDx
Classification: Uncertain significance. Last evaluated: 2024-01-10. Review status: criteria provided, single submitter. Criteria: GeneDx Variant Classification Process June 2021. Collection method: clinical testing. Allele origin: germline. Affected: yes.
Comment: Not observed at significant frequency in large population cohorts (gnomAD); In silico analysis supports that this missense variant does not alter protein structure/function; Has not been previously published as pathogenic or benign to our knowledge

NM_000260.4(MYO7A):c.3859C>G (p.Leu1287Val)

Gene: MYO7A (myosin VIIA; plus strand). Cytogenetic location: 11q13.5.
Variant type: single nucleotide variant.
Coding change: c.3859C>G on transcript NM_000260.4 (MANE Select); coding-DNA position 3859, C replaced by G.
Protein change: p.Leu1287Val; replaces leucine 1287 with valine.
Molecular consequence: missense variant.
Genome position (GRCh38, 1-based): chr11:77,190,805, C>G. VCF-style: chr11-77190805-C-G. GRCh37 (hg19) VCF-style: chr11-76901850-C-G.
Other names: c.3859C>G, p.Leu1287Val (NM_001127180.2); c.3826C>G, p.Leu1276Val (NM_001369365.1); c.3859C>G (NM_000260.3); short protein forms L1287V, L1276V.
Identifiers: ClinVar variation 1940511 (VCV001940511.6), dbSNP rs1452382907, ClinGen allele CA381947771.